The following is an entry in ClinVar:

NM_006277.3(ITSN2):c.3505A>G (p.Ile1169Val)

Gene: ITSN2 (intersectin 2; minus strand). Cytogenetic location: 2p23.3.
Variant type: single nucleotide variant.
Coding change: c.3505A>G on transcript NM_006277.3 (MANE Select); coding-DNA position 3505, A replaced by G.
Protein change: p.Ile1169Val; replaces isoleucine 1169 with valine.
Molecular consequence: missense variant.
Genome position (GRCh38, 1-based): chr2:24,246,201, T>C on the plus strand (A>G on the coding strand, the complement: ITSN2 is on the minus strand). VCF-style: chr2-24246201-T-C. GRCh37 (hg19) VCF-style: chr2-24469070-T-C.
Other names: c.3463A>G, p.Ile1155Val (NM_001348181.2); c.3385A>G, p.Ile1129Val (NM_001348182.2, NM_001348186.2); c.3424A>G, p.Ile1142Val (NM_001348183.2, NM_019595.4); c.3382A>G, p.Ile1128Val (NM_001348184.2); c.3466A>G, p.Ile1156Val (NM_001348185.2); c.3505A>G, p.Ile1169Val (NM_147152.3); short protein forms I1128V, I1142V, I1156V, I1169V, I1155V, I1129V.
Identifiers: ClinVar variation 2722436 (VCV002722436.3), dbSNP rs770959633, ClinGen allele CA1550900.

ClinVar aggregate classification (germline): Uncertain significance (1 of 4 stars; one submission).

Allele frequency attached by ClinVar (database versions not stated): ExAC 0.00001; gnomAD exomes 0.00001; TOPMed 0.00001.
gnomAD v4.1: 5 of 1,613,726 alleles (0.00031%); highest among the groups gnomAD compares: Admixed American, 0.0067%; no homozygotes.

Submission:

Labcorp Genetics (formerly Invitae), Labcorp
Classification: Uncertain significance. Last evaluated: 2023-08-04. Review status: criteria provided, single submitter. Criteria: Invitae Variant Classification Sherloc (09022015). Collection method: clinical testing. Allele origin: germline.
Comment: In summary, the available evidence is currently insufficient to determine the role of this variant in disease. Therefore, it has been classified as a Variant of Uncertain Significance. Algorithms developed to predict the effect of missense changes on protein structure and function output the following: SIFT: "Not Available"; PolyPhen-2: "Not Available"; Align-GVGD: "Not Available". The valine amino acid residue is found in multiple mammalian species, which suggests that this missense change does not adversely affect protein function. This variant has not been reported in the literature in individuals affected with ITSN2-related conditions. This variant is present in population databases (rs770959633, gnomAD 0.01%). This sequence change replaces isoleucine, which is neutral and non-polar, with valine, which is neutral and non-polar, at codon 1169 of the ITSN2 protein (p.Ile1169Val).